The following is an entry in ClinVar:

GRCh38/hg38 9p24.3-24.1(chr9:211086-6106482)x1

Genes: AK3 (adenylate kinase 3; minus strand), BRD10 (bromodomain containing 10; minus strand), CD274 (CD274 molecule; plus strand), CDC37L1 (cell division cycle 37 like 1, HSP90 cochaperone; plus strand), CDC37L1-DT (CDC37L1 divergent transcript; minus strand) and 178 more. Cytogenetic location: 9p24.3-24.1.
Variant type: copy number loss.
Change: copy number 1 (one copy instead of two) of chr9:211,086-6,106,482 (5.90 Mb, GRCh38 coordinates, 1-based), cytogenetic band 9p24.3-24.1.
Identifiers: ClinVar variation 60440 (VCV000060440.2).

ClinVar aggregate classification (germline): Pathogenic (1 of 4 stars; one submission).

Submission:

ISCA Site 6
Classification: Pathogenic. Last evaluated: 2011-08-12. Review status: criteria provided, single submitter. Criteria: Kaminsky et al. (Genet Med. 2011). Collection method: clinical testing. Allele origin: unknown. Affected: yes. Observed: 1 variant allele.
Comment: Copy number variation identified through the course of routine clinical cytogenomic testing in postnatal populations. Clinical assertions have been curated as described in Kaminsky et al. 2011.